The following is an entry in ClinVar:

NM_000246.4(CIITA):c.2422G>C (p.Glu808Gln)

Gene: CIITA (class II major histocompatibility complex transactivator; plus strand). Cytogenetic location: 16p13.13.
Variant type: single nucleotide variant.
Coding change: c.2422G>C on transcript NM_000246.4 (MANE Select); coding-DNA position 2422, G replaced by C.
Protein change: p.Glu808Gln; replaces glutamic acid 808 with glutamine.
Molecular consequence: missense variant. On other transcripts: intron variant (1).
Genome position (GRCh38, 1-based): chr16:10,907,914, G>C. VCF-style: chr16-10907914-G-C. GRCh37 (hg19) VCF-style: chr16-11001771-G-C.
Other names: c.2425G>C, p.Glu809Gln (NM_001286402.1, NM_001379332.1); c.2278G>C, p.Glu760Gln (NM_001379330.1); c.2275G>C, p.Glu759Gln (NM_001379331.1); c.2422G>C, p.Glu808Gln (NM_001379333.1); c.2353G>C, p.Glu785Gln (NM_001379334.1); c.860-1069G>C (NM_001286403.2); short protein forms E785Q, E808Q, E759Q, E760Q, E809Q.
Identifiers: ClinVar variation 1392258 (VCV001392258.5), dbSNP rs2144741760, ClinGen allele CA394733582.
Genomic context (GRCh38, chr16:10,907,914, plus strand): 5'-GTGCTTGCGAGGTACCTGAAGCGGCTGCAGCCGGGGACACTGCGGGCGCGGCAGCTGCTG[G>C]AGCTGCTGCACTGCGCCCACGAGGCCGAGGAGGCTGGAATTTGGCAGCACGTGGTACAGG-3'
Protein context (NP_000237.2, residues 798-818): PGTLRARQLL[Glu808Gln]LLHCAHEAEE

ClinVar aggregate classification (germline): Uncertain significance (1 of 4 stars; one submission).

Conditions:
MHC class II deficiency. Also called: BLS, TYPE II; Bare lymphocyte syndrome 2. Identifiers: Orphanet 572, MedGen C5447452, MONDO:0008855.

Submission:

Labcorp Genetics (formerly Invitae), Labcorp
Classification: Uncertain significance for MHC class II deficiency. Last evaluated: 2021-08-28. Review status: criteria provided, single submitter. Criteria: Invitae Variant Classification Sherloc (09022015). Collection method: clinical testing. Allele origin: germline.
Comment: This sequence change replaces glutamic acid with glutamine at codon 808 of the CIITA protein (p.Glu808Gln). The glutamic acid residue is highly conserved and there is a small physicochemical difference between glutamic acid and glutamine. This variant is not present in population databases (ExAC no frequency). This variant has not been reported in the literature in individuals affected with CIITA-related conditions. Algorithms developed to predict the effect of missense changes on protein structure and function (SIFT, PolyPhen-2, Align-GVGD) all suggest that this variant is likely to be disruptive. In summary, the available evidence is currently insufficient to determine the role of this variant in disease. Therefore, it has been classified as a Variant of Uncertain Significance.